The following is an entry in ClinVar:

ClinVar aggregate classification (germline): Uncertain significance (1 of 4 stars; one submission).

Conditions:
Pyridoxine-dependent epilepsy (EPEO4). Also called: Pyridoxine-Dependent Seizures; Pyridoxine-Dependent Epilepsy - ALDH7A1; PYRIDOXINE DEPENDENCY WITH SEIZURES; EPILEPSY, EARLY-ONSET, 4, VITAMIN B6-DEPENDENT. Identifiers: Orphanet 3006, MedGen C1849508, MONDO:0009945, OMIM 266100. Disease mechanism: loss of function.

Allele frequency attached by ClinVar (database versions not stated): gnomAD exomes below 0.00001 and 0.00001; ExAC 0.00001; TOPMed 0.00001.
gnomAD v4.1: 6 of 1,614,162 alleles (0.00037%); highest among the groups gnomAD compares: Admixed American, 0.0017%; no homozygotes.

Submission:

Labcorp Genetics (formerly Invitae), Labcorp
Classification: Uncertain significance for Pyridoxine-dependent epilepsy. Last evaluated: 2021-09-01. Review status: criteria provided, single submitter. Criteria: Invitae Variant Classification Sherloc (09022015). Collection method: clinical testing. Allele origin: germline.
Comment: This sequence change replaces cysteine with serine at codon 522 of the ALDH7A1 protein (p.Cys522Ser). The cysteine residue is moderately conserved and there is a moderate physicochemical difference between cysteine and serine. This variant is present in population databases (rs745592760, ExAC 0.001%). This variant has not been reported in the literature in individuals affected with ALDH7A1-related conditions. Algorithms developed to predict the effect of missense changes on protein structure and function are either unavailable or do not agree on the potential impact of this missense change (SIFT: "Deleterious"; PolyPhen-2: "Probably Damaging"; Align-GVGD: "Class C0"). In summary, the available evidence is currently insufficient to determine the role of this variant in disease. Therefore, it has been classified as a Variant of Uncertain Significance.

NM_001182.5(ALDH7A1):c.1564T>A (p.Cys522Ser)

Gene: ALDH7A1 (aldehyde dehydrogenase 7 family member A1; minus strand). Cytogenetic location: 5q23.2.
Variant type: single nucleotide variant.
Coding change: c.1564T>A on transcript NM_001182.5 (MANE Select); coding-DNA position 1564, T replaced by A.
Protein change: p.Cys522Ser; replaces cysteine 522 with serine.
Molecular consequence: missense variant.
Genome position (GRCh38, 1-based): chr5:126,546,325, A>T on the plus strand (T>A on the coding strand, the complement: ALDH7A1 is on the minus strand). VCF-style: chr5-126546325-A-T. GRCh37 (hg19) VCF-style: chr5-125882017-A-T.
Other names: c.1480T>A, p.Cys494Ser (NM_001201377.2); c.1372T>A, p.Cys458Ser (NM_001202404.2); short protein forms C458S, C494S, C522S.
Identifiers: ClinVar variation 1519278 (VCV001519278.5), dbSNP rs745592760, ClinGen allele CA3389369.
Genomic context (GRCh38, chr5:126,546,325, plus strand): 5'-TAAAAGCCCATTCCCAAGGGTTTTAAGCCCAAACCTATCTTCCCAAAGCCTTTTCTTACC[A>T]AGTAGACCTTCTCATGTACTGTTTCCAGGCATCACTGCCAGACTCCCTGCCACCACCAGT-3'
Protein context (NP_001173.2, residues 512-532): AWKQYMRRST[Cys522Ser]TINYSKDLPL